The following is an entry in ClinVar:

NM_001145026.2(PTPRQ):c.6760C>T (p.Gln2254Ter)

Gene: PTPRQ (protein tyrosine phosphatase receptor type Q; plus strand). Cytogenetic location: 12q21.31.
Variant type: single nucleotide variant.
Coding change: c.6760C>T on transcript NM_001145026.2 (MANE Select); coding-DNA position 6760, C replaced by T.
Protein change: p.Gln2254Ter; replaces glutamine 2254 with a stop codon.
Molecular consequence: nonsense.
Genome position (GRCh38, 1-based): chr12:80,678,623, C>T. VCF-style: chr12-80678623-C-T. GRCh37 (hg19) VCF-style: chr12-81072402-C-T.
Other names: short protein forms Q2254*.
Identifiers: ClinVar variation 5003038 (VCV005003038.1).
Genomic context (GRCh38, chr12:80,678,623, plus strand): 5'-TCAATATATTTGTTTAACCACTCTGTCTTTGGTGTCTAGGCACAGTATATCTTTTTACAC[C>T]AGTGCATTCTGGATCTCTTATCAAATAAGGGAAGTAATCAGCCCATCTGTTTTGTTAACT-3'

ClinVar aggregate classification (germline): Likely pathogenic (1 of 4 stars; one submission).

Conditions:
Autosomal recessive nonsyndromic hearing loss 84A. Also called: DEAFNESS, AUTOSOMAL RECESSIVE 84A; DEAFNESS, AUTOSOMAL RECESSIVE 84A, WITH VESTIBULAR DYSFUNCTION. Identifiers: Orphanet 90636, MedGen C3150654, MONDO:0013249, OMIM 613391.

gnomAD v4.1: 1 of 1,549,718 alleles (0.000065%); highest among the groups gnomAD compares: South Asian, 0.0012%; no homozygotes.

Submission:

OLLIN Analises Genomicas, OLLIN
Classification: Likely pathogenic for Autosomal recessive nonsyndromic hearing loss 84A. Last evaluated: 2026-08-06. Review status: criteria provided, single submitter. Criteria: ACMG Guidelines 2015 PMID 25741868. Collection method: clinical testing. Allele origin: germline.
Comment: This nonsense variant, located in exon 44 (of 45), has been observed in gnomAD with an allele frequency of 0.000062%, but has not been reported in ClinVar or identified in the literature. This variant introduces a premature stop codon, which is predicted to result in either a truncated protein or degradation of the mRNA via nonsense-mediated decay (NMD). According to the currently available evidence, this variant has been classified as likely pathogenic (PVS1, PM2_P).